The following is an entry in ClinVar:

ClinVar aggregate classification (germline): Pathogenic/Likely pathogenic. Review status: criteria provided, multiple submitters, no conflicts (2 of 4 stars). 3 submissions from 3 submitters: Pathogenic (1); Likely pathogenic (1). 1 of the submissions does not count toward it. Last evaluated 2024-06-17.

Conditions:
Bardet-Biedl syndrome (BBS). Identifiers: Orphanet 110, MedGen C0752166, MONDO:0015229.
Bardet-Biedl syndrome 10 (BBS10). Identifiers: Orphanet 110, MedGen C1859568, MONDO:0014438, OMIM 615987.

Submissions (3):

Fulgent Genetics
Classification: Likely pathogenic for Bardet-Biedl syndrome 10. Last evaluated: 2024-06-17. Review status: criteria provided, single submitter. Criteria: ACMG Guidelines, 2015. Collection method: clinical testing. Allele origin: germline.

Labcorp Genetics (formerly Invitae), Labcorp
Classification: Pathogenic for Bardet-Biedl syndrome. Last evaluated: 2023-12-06. Review status: criteria provided, single submitter. Criteria: Invitae Variant Classification Sherloc (09022015). Collection method: clinical testing. Allele origin: germline.
Comment: This sequence change creates a premature translational stop signal (p.Thr483Asnfs*8) in the BBS10 gene. While this is not anticipated to result in nonsense mediated decay, it is expected to disrupt the last 241 amino acid(s) of the BBS10 protein. This variant is not present in population databases (gnomAD no frequency). This premature translational stop signal has been observed in individual(s) with Bardet-Biedl syndrome (PMID: 16582908). This variant is also known as T483fsX490. ClinVar contains an entry for this variant (Variation ID: 189107). This variant disrupts a region of the BBS10 protein in which other variant(s) (p.Val707*) have been determined to be pathogenic (PMID: 20472660, 22773737, 25982971, 27486776). This suggests that this is a clinically significant region of the protein, and that variants that disrupt it are likely to be disease-causing. For these reasons, this variant has been classified as Pathogenic.

Counsyl
Classification: Likely pathogenic for Bardet-Biedl syndrome 10. Last evaluated: 2014-12-29. Review status: no assertion criteria provided. Collection method: literature only. Allele origin: unknown. Inheritance: Autosomal recessive inheritance. Not counted in ClinVar's aggregate classification.

Literature cited by the submitters: PubMed 16582908 (cited by Labcorp Genetics (formerly Invitae), Labcorp and Counsyl); PubMed 20472660 (cited by Labcorp Genetics (formerly Invitae), Labcorp); PubMed 22773737 (cited by Labcorp Genetics (formerly Invitae), Labcorp); PubMed 25982971 (cited by Labcorp Genetics (formerly Invitae), Labcorp); PubMed 27486776 (cited by Labcorp Genetics (formerly Invitae), Labcorp).

NM_024685.4(BBS10):c.1448_1452del (p.Thr483fs)

Gene: BBS10 (Bardet-Biedl syndrome 10; minus strand). Cytogenetic location: 12q21.2.
Variant type: Deletion.
Coding change: c.1448_1452del on transcript NM_024685.4 (MANE Select); coding-DNA positions 1448 to 1452, 5 bases deleted (CTCAA; older notation c.1448_1452delCTCAA).
Protein change: p.Thr483fs; shifts the reading frame from threonine 483.
Molecular consequence: frameshift variant.
Genome position (GRCh38, 1-based): chr12:76,346,533-76,346,537, TTGAG deleted on the plus strand (CTCAA on the coding strand, the reverse complement: BBS10 is on the minus strand); deleting any 5 consecutive bases within chr12:76,346,533-76,346,539 gives the same sequence; the c. name uses the placement nearest the transcript's 3' end. VCF-style (leftmost placement, unchanged base first): chr12-76346532-TTTGAG-T. GRCh37 (hg19) VCF-style: chr12-76740312-TTTGAG-T.
Other names: c.1448_1452del, p.Thr483fs (LRG_1255t1); short protein forms T483fs.
Identifiers: ClinVar variation 189107 (VCV000189107.7), dbSNP rs786204705, ClinGen allele CA274386.